The following is an entry in ClinVar:

ClinVar aggregate classification (germline): Benign/Likely benign. Review status: criteria provided, multiple submitters, no conflicts (2 of 4 stars). 2 submissions from 2 submitters: Benign (1); Likely benign (1). Last evaluated 2026-01-28.

Conditions:
Giant axonal neuropathy 1 (GAN1). Also called: GIANT AXONAL NEUROPATHY 1, AUTOSOMAL RECESSIVE; GAN-Related Neurodegeneration. Identifiers: Orphanet 643, MedGen C1850386, MONDO:0009749, OMIM 256850.

Allele frequency attached by ClinVar (database versions not stated): gnomAD exomes 0.00013 and 0.00036; ExAC 0.00039; gnomAD 0.00129 and 0.00138; TOPMed 0.00149; 1000 Genomes Project 30x 0.00172; 1000 Genomes Project 0.00180; ESP Exome Variant Server 0.00192.
gnomAD v4.1: 368 of 1,411,118 alleles (0.026%); highest among the groups gnomAD compares: African/African-American, 0.44%; no homozygotes.

Submissions (2):

Labcorp Genetics (formerly Invitae), Labcorp
Classification: Benign for Giant axonal neuropathy 1. Last evaluated: 2026-01-28. Review status: criteria provided, single submitter. Criteria: Invitae Variant Classification Sherloc (09022015). Collection method: clinical testing. Allele origin: germline.

GeneDx
Classification: Likely benign. Last evaluated: 2017-06-16. Review status: criteria provided, single submitter. Criteria: GeneDx Variant Classification (06012015). Collection method: clinical testing. Allele origin: germline. Affected: yes.
Comment: This variant is considered likely benign or benign based on one or more of the following criteria: it is a conservative change, it occurs at a poorly conserved position in the protein, it is predicted to be benign by multiple in silico algorithms, and/or has population frequency not consistent with disease.

NM_022041.4(GAN):c.633+19A>G

Gene: GAN (gigaxonin; plus strand). Cytogenetic location: 16q23.2.
Variant type: single nucleotide variant.
Coding change: c.633+19A>G on transcript NM_022041.4 (MANE Select); 19 bases into the intron after coding-DNA position 633, A replaced by G.
Molecular consequence: intron variant.
Genome position (GRCh38, 1-based): chr16:81,354,774, A>G. VCF-style: chr16-81354774-A-G. GRCh37 (hg19) VCF-style: chr16-81388379-A-G.
Other names: c.-7+19A>G (NM_001377486.1).
Identifiers: ClinVar variation 382229 (VCV000382229.10), dbSNP rs112194888, ClinGen allele CA8191407.
Genomic context (GRCh38, chr16:81,354,774, plus strand): 5'-GCAGTAATTCGATGGATAGCACATGATACAGAAATAAGAAAGGTACCTGTCATTTATAAC[A>G]TGGTCAAATTTGCCTTTTTATTTCTTTTTAATTCAAATTTTAGTTGTTTTATTTTTCTTC-3'